The following is an entry in ClinVar:

ClinVar aggregate classification (germline): Uncertain significance (1 of 4 stars; one submission).

Submission:

GeneDx
Classification: Uncertain significance. Last evaluated: 2022-11-04. Review status: criteria provided, single submitter. Criteria: GeneDx Variant Classification Process June 2021. Collection method: clinical testing. Allele origin: germline. Affected: yes.
Comment: Not observed at significant frequency in large population cohorts (gnomAD); In silico analysis supports that this missense variant has a deleterious effect on protein structure/function; Has not been previously published as pathogenic or benign to our knowledge

NM_020247.5(COQ8A):c.1276C>A (p.Pro426Thr)

Gene: COQ8A (coenzyme Q8A; plus strand). Cytogenetic location: 1q42.13.
Variant type: single nucleotide variant.
Coding change: c.1276C>A on transcript NM_020247.5 (MANE Select); coding-DNA position 1276, C replaced by A.
Protein change: p.Pro426Thr; replaces proline 426 with threonine.
Molecular consequence: missense variant.
Genome position (GRCh38, 1-based): chr1:226,984,113, C>A. VCF-style: chr1-226984113-C-A. GRCh37 (hg19) VCF-style: chr1-227171814-C-A.
Other names: short protein forms P426T.
Identifiers: ClinVar variation 2501498 (VCV002501498.1), dbSNP rs1004253103, ClinGen allele CA38651875.